The following is an entry in ClinVar:

ClinVar aggregate classification (germline): Uncertain significance (1 of 4 stars; one submission).

Conditions:
TTN-related disorder. Also called: TTN-related condition; TTN-related disease; TTN-related disorders.

Allele frequency attached by ClinVar (database versions not stated): gnomAD exomes 0.00001.
gnomAD v4.1: 3 of 1,550,054 alleles (0.00019%); highest among the groups gnomAD compares: Non-Finnish European, 0.00026%; no homozygotes.

Submission:

PreventionGenetics, part of Exact Sciences
Classification: Uncertain significance for TTN-related condition. Last evaluated: 2023-05-26. Review status: criteria provided, single submitter. Criteria: ACMG Guidelines, 2015. Collection method: clinical testing. Allele origin: germline.
Comment: The TTN c.39947A>G variant is predicted to result in the amino acid substitution p.Lys13316Arg. To our knowledge, this variant has not been reported in the literature or in a large population database, indicating this variant is rare. At this time, the clinical significance of this variant is uncertain due to the absence of conclusive functional and genetic evidence.

NM_001267550.2(TTN):c.39947A>G (p.Lys13316Arg)

Gene: TTN (titin; minus strand). Cytogenetic location: 2q31.2.
Variant type: single nucleotide variant.
Coding change: c.39947A>G on transcript NM_001267550.2 (MANE Select); coding-DNA position 39947, A replaced by G.
Protein change: p.Lys13316Arg; replaces lysine 13316 with arginine.
Molecular consequence: missense variant. On other transcripts: intron variant (5).
Genome position (GRCh38, 1-based): chr2:178,649,580, T>C on the plus strand (A>G on the coding strand, the complement: TTN is on the minus strand). VCF-style: chr2-178649580-T-C. GRCh37 (hg19) VCF-style: chr2-179514307-T-C.
Other names: c.13283-7263A>G (NM_003319.4); c.13859-7263A>G (NM_133437.4); c.13658-7263A>G (NM_133432.3); c.32593+237A>G (NM_133378.4); c.35374+237A>G (NM_001256850.1); short protein forms K13316R.
Identifiers: ClinVar variation 2632189 (VCV002632189.1), dbSNP rs2472248077, ClinGen allele CA349446954.
Genomic context (GRCh38, chr2:178,649,580, plus strand): 5'-TTCTTTTTTATGATGCCAACGATGAAGTGAATACCTTTAGCTGCTGGTGTTTCTGGCTTC[T>C]TAACAGTTGGGACCTTCTTCACTGGAACAACTTTCTTTGGCATCTCAGGTTCTTTAAAGA-3'
Protein context (NP_001254479.2, residues 13306-13326): VVPVKKVPTV[Lys13316Arg]KPETPAAKVP